The following is an entry in ClinVar:

NM_001356.5(DDX3X):c.766-11T>C

Gene: DDX3X (DEAD-box helicase 3 X-linked; plus strand). Cytogenetic location: Xp11.4.
Variant type: single nucleotide variant.
Coding change: c.766-11T>C on transcript NM_001356.5 (MANE Select); 11 bases into the intron before coding-DNA position 766, T replaced by C.
Molecular consequence: intron variant.
Genome position (GRCh38, 1-based): chrX:41,344,019, T>C. VCF-style: chrX-41344019-T-C. GRCh37 (hg19) VCF-style: chrX-41203272-T-C.
Other names: c.766-11T>C (NM_001193416.3); c.718-11T>C (NM_001193417.3); c.208-11T>C (NM_001363819.1).
Identifiers: ClinVar variation 511017 (VCV000511017.1), dbSNP rs1555953395, ClinGen allele CA658799709.
Genomic context (GRCh38, chrX:41,344,019, plus strand): 5'-GGGAATTATGTTGTGATGAACTTTTCAAACAGGGTAGGTAGAGTTAACTTAAAAATTAAC[T>C]TATTTCTTAGGAAAATGGAAGGTATGGGCGCCGCAAACAATACCCAATCTCCTTGGTATT-3'

ClinVar aggregate classification (germline): Likely benign (1 of 4 stars; one submission).

Submission:

GeneDx
Classification: Likely benign. Last evaluated: 2017-07-27. Review status: criteria provided, single submitter. Criteria: GeneDx Variant Classification (06012015). Collection method: clinical testing. Allele origin: germline. Affected: yes.
Comment: This variant is considered likely benign or benign based on one or more of the following criteria: it is a conservative change, it occurs at a poorly conserved position in the protein, it is predicted to be benign by multiple in silico algorithms, and/or has population frequency not consistent with disease.